The following is an entry in ClinVar:

ClinVar aggregate classification (germline): Uncertain significance (1 of 4 stars; one submission).

Submission:

GeneDx
Classification: Uncertain significance. Last evaluated: 2023-04-02. Review status: criteria provided, single submitter. Criteria: GeneDx Variant Classification Process June 2021. Collection method: clinical testing. Allele origin: germline. Affected: yes.
Comment: Not observed at significant frequency in large population cohorts (gnomAD); In silico analysis supports that this missense variant has a deleterious effect on protein structure/function; Has not been previously published as pathogenic or benign to our knowledge

NM_001385012.1(NBEA):c.7939G>T (p.Val2647Leu)

Gene: NBEA (neurobeachin; plus strand). Cytogenetic location: 13q13.3.
Variant type: single nucleotide variant.
Coding change: c.7939G>T on transcript NM_001385012.1 (MANE Select); coding-DNA position 7939, G replaced by T.
Protein change: p.Val2647Leu; replaces valine 2647 with leucine.
Molecular consequence: missense variant.
Genome position (GRCh38, 1-based): chr13:35,649,823, G>T. VCF-style: chr13-35649823-G-T. GRCh37 (hg19) VCF-style: chr13-36223960-G-T.
Other names: c.1255G>T, p.Val419Leu (NM_001204197.3); c.7930G>T, p.Val2644Leu (NM_001379245.1); c.7876G>T, p.Val2626Leu (NM_015678.5); short protein forms V2626L, V2644L, V2647L, V419L.
Identifiers: ClinVar variation 2662757 (VCV002662757.1), dbSNP rs2549998087, ClinGen allele CA387839470.